The following is an entry in ClinVar:

NM_002206.3(ITGA7):c.2452C>T (p.Leu818Phe)

Genes: ITGA7 (integrin subunit alpha 7; minus strand), LOC126861535 (CDK7 strongly-dependent group 2 enhancer GRCh37_chr12:56087579-56088778; plus strand). Cytogenetic location: 12q13.2.
Variant type: single nucleotide variant.
Coding change: c.2452C>T on transcript NM_002206.3 (MANE Select); coding-DNA position 2452, C replaced by T.
Protein change: p.Leu818Phe; replaces leucine 818 with phenylalanine.
Molecular consequence: missense variant.
Genome position (GRCh38, 1-based): chr12:55,694,104, G>A on the plus strand (C>T on the coding strand, the complement: ITGA7 is on the minus strand). VCF-style: chr12-55694104-G-A. GRCh37 (hg19) VCF-style: chr12-56087888-G-A.
Other names: c.2464C>T, p.Leu822Phe (NM_001144996.2); c.2173C>T, p.Leu725Phe (NM_001144997.2); c.2125C>T, p.Leu709Phe (NM_001367993.1); c.1108C>T, p.Leu370Phe (NM_001367994.1); c.2434C>T, p.Leu812Phe (NM_001374465.1); c.2584C>T, p.Leu862Phe (NM_001410977.1); c.2446C>T, p.Leu816Phe (NM_001414029.1); c.2377C>T, p.Leu793Phe (NM_001414030.1); and 5 more; short protein forms L812F, L822F, L725F, L818F, L370F, L709F, L862F, L743F.
Identifiers: ClinVar variation 1425593 (VCV001425593.7), dbSNP rs137872276, ClinGen allele CA6615589.

ClinVar aggregate classification (germline): Uncertain significance. Review status: criteria provided, multiple submitters, no conflicts (2 of 4 stars). 2 submissions from 2 submitters: Uncertain significance (2). Last evaluated 2021-08-30.

Conditions:
Congenital muscular dystrophy due to integrin alpha-7 deficiency. Also called: MYOPATHY, CONGENITAL, DUE TO INTEGRIN ALPHA-7 DEFICIENCY; Congenital muscular dystrophy with integrin alpha-7 deficiency; Muscular dystrophy, congenital, due to ITGA7 deficiency. Identifiers: Orphanet 34520, MedGen C2750786, MONDO:0013177, OMIM 613204.

Allele frequency attached by ClinVar (database versions not stated): ExAC 0.00001; gnomAD exomes 0.00001 and 0.00003; gnomAD 0.00002; TOPMed 0.00002; ESP Exome Variant Server 0.00008.
gnomAD v4.1: 46 of 1,614,128 alleles (0.0028%); highest among the groups gnomAD compares: Non-Finnish European, 0.0037%; no homozygotes.

Submissions (2):

Labcorp Genetics (formerly Invitae), Labcorp
Classification: Uncertain significance for Congenital muscular dystrophy due to integrin alpha-7 deficiency. Last evaluated: 2021-08-30. Review status: criteria provided, single submitter. Criteria: Invitae Variant Classification Sherloc (09022015). Collection method: clinical testing. Allele origin: germline.
Comment: This sequence change replaces leucine with phenylalanine at codon 818 of the ITGA7 protein (p.Leu818Phe). The leucine residue is highly conserved and there is a small physicochemical difference between leucine and phenylalanine. This variant is present in population databases (rs137872276, ExAC 0.002%). This variant has not been reported in the literature in individuals affected with ITGA7-related conditions. Algorithms developed to predict the effect of missense changes on protein structure and function are either unavailable or do not agree on the potential impact of this missense change (SIFT: "Tolerated"; PolyPhen-2: "Probably Damaging"; Align-GVGD: "Class C0"). In summary, the available evidence is currently insufficient to determine the role of this variant in disease. Therefore, it has been classified as a Variant of Uncertain Significance.

Revvity Omics, Revvity
Classification: Uncertain significance for Congenital muscular dystrophy due to integrin alpha-7 deficiency. Last evaluated: 2019-05-02. Review status: criteria provided, single submitter. Criteria: ACMG Guidelines, 2015. Collection method: clinical testing. Allele origin: germline.